The following is an entry in ClinVar:

NM_000199.5(SGSH):c.1268G>A (p.Trp423Ter)

Gene: SGSH (N-sulfoglucosamine sulfohydrolase; minus strand). Cytogenetic location: 17q25.3.
Variant type: single nucleotide variant.
Coding change: c.1268G>A on transcript NM_000199.5 (MANE Select); coding-DNA position 1268, G replaced by A.
Protein change: p.Trp423Ter; replaces tryptophan 423 with a stop codon.
Molecular consequence: nonsense. On other transcripts: 3 prime UTR variant (2), non-coding transcript variant (1).
Genome position (GRCh38, 1-based): chr17:80,210,693, C>T on the plus strand (G>A on the coding strand, the complement: SGSH is on the minus strand). VCF-style: chr17-80210693-C-T. GRCh37 (hg19) VCF-style: chr17-78184492-C-T.
Other names: c.*355G>A (NM_001352921.3); c.*318G>A (NM_001352922.2); short protein forms W423*.
Identifiers: ClinVar variation 2879174 (VCV002879174.3), dbSNP rs886053559, ClinGen allele CA401358791.
Genomic context (GRCh38, chr17:80,210,693, plus strand): 5'-CGGCTCCGGTCGTAGAGCTCCCAGCGCGCCCGGTAGTAGTAATGACGGAGGTCCTTGTAC[C>T]AGCCCGTGGGCTGACCAGCTGTGGTGCGGTTCAGGAGGTCCTGGAAGGTGGGTGAGACGT-3'

ClinVar aggregate classification (germline): Pathogenic (1 of 4 stars; one submission).

Conditions:
Mucopolysaccharidosis, MPS-III-A (MPS3A). Also called: Mucopolysaccharidosis type IIIA (Sanfilippo A); Mucopolysaccharidosis, type IIIA; mucopolysaccharidosis type 3A; MPS IIIA (Sanfilippo Syndrome Type A); HEPARAN SULFATE SULFATASE DEFICIENCY; SANFILIPPO SYNDROME A. Identifiers: Orphanet 581, Orphanet 79269, MedGen C0086647, MONDO:0009655, OMIM 252900.

Submission:

Labcorp Genetics (formerly Invitae), Labcorp
Classification: Pathogenic for Mucopolysaccharidosis, MPS-III-A. Last evaluated: 2023-06-02. Review status: criteria provided, single submitter. Criteria: Invitae Variant Classification Sherloc (09022015). Collection method: clinical testing. Allele origin: germline.
Comment: This variant is not present in population databases (gnomAD no frequency). This variant disrupts a region of the SGSH protein in which other variant(s) (p.Trp479*) have been determined to be pathogenic (PMID: 21204211). This suggests that this is a clinically significant region of the protein, and that variants that disrupt it are likely to be disease-causing. This variant has not been reported in the literature in individuals affected with SGSH-related conditions. This sequence change creates a premature translational stop signal (p.Trp423*) in the SGSH gene. While this is not anticipated to result in nonsense mediated decay, it is expected to disrupt the last 80 amino acid(s) of the SGSH protein. For these reasons, this variant has been classified as Pathogenic.

Literature cited by the submitters: PubMed 21204211.